The following is an entry in ClinVar:

ClinVar aggregate classification (germline): Likely pathogenic (1 of 4 stars; one submission).

Conditions:
Familial dysautonomia. Also called: HSAN III; FD. Identifiers: Orphanet 1764, MedGen C0013364, MONDO:0009131, OMIM 223900. Disease mechanism: loss of function.

Submission:

Natera, Inc.
Classification: Likely pathogenic for Familial dysautonomia. Last evaluated: 2025-12-29. Review status: criteria provided, single submitter. Criteria: Natera Variant Classification Schema (03/2026). Collection method: clinical testing. Allele origin: germline.
Comment: The c.2051_2052delinsC variant in ELP1 is a frameshift variant predicted to shift the reading frame beginning at codon 684 and leads to a stop codon 33 codons downstream. This variant is expected to result in nonsense mediated decay, truncation, or a dysfunctional protein product. This variant is rare in the general population with a frequency below the threshold expected for the associated phenotype(s). Given the available evidence, this variant is classified as Likely Pathogenic.

NM_003640.5(ELP1):c.2051_2052delinsC (p.His684fs)

Gene: ELP1 (elongator acetyltransferase complex subunit 1; minus strand). Cytogenetic location: 9q31.3.
Variant type: Indel.
Coding change: c.2051_2052delinsC on transcript NM_003640.5 (MANE Select); coding-DNA positions 2051 to 2052, AT replaced by C.
Protein change: p.His684fs; shifts the reading frame from histidine 684.
Molecular consequence: frameshift variant.
Genome position (GRCh38, 1-based): chr9:108,900,338-108,900,339, AT replaced by G on the plus strand (AT replaced by C on the coding strand, the reverse complement: ELP1 is on the minus strand). VCF-style: chr9-108900338-AT-G. GRCh37 (hg19) VCF-style: chr9-111662618-AT-G.
Other names: c.1709_1710delinsC, p.His570fs (NM_001318360.2); c.1004_1005delinsC, p.His335fs (NM_001330749.2); short protein forms H335fs, H570fs, H684fs.
Identifiers: ClinVar variation 4815185 (VCV004815185.1).